The following is an entry in ClinVar:

ClinVar aggregate classification (germline): Conflicting classifications of pathogenicity. Review status: criteria provided, conflicting classifications (1 of 4 stars). 11 submissions from 11 submitters: Uncertain significance (2); Benign (1); Likely benign (5). 3 of the submissions do not count toward it. Last evaluated 2026-01-21.

Conditions:
FANCB-related disorder. Also called: FANCB-related condition.
Fanconi anemia (FA). Also called: Fanconi's anemia. Identifiers: Orphanet 84, MedGen C0015625, MeSH D005199, MONDO:0019391.

Allele frequency attached by ClinVar (database versions not stated): ESP Exome Variant Server 0.00019; 1000 Genomes Project 30x 0.00042; gnomAD 0.00046 and 0.00047; ExAC 0.00047; gnomAD exomes 0.00050 and 0.00058; 1000 Genomes Project 0.00053; TOPMed 0.00070.
gnomAD v4.1: 686 of 1,191,371 alleles (0.058%); highest among the groups gnomAD compares: Admixed American, 0.15%; 1 homozygote.

Submissions (11):

Labcorp Genetics (formerly Invitae), Labcorp
Classification: Benign for Fanconi anemia. Last evaluated: 2026-01-21. Review status: criteria provided, single submitter. Criteria: Invitae Variant Classification Sherloc (09022015). Collection method: clinical testing. Allele origin: germline.

Laboratory of Genetics, Children's Clinical University Hospital Latvia
Classification: Likely benign. Last evaluated: 2025-02-16. Review status: criteria provided, single submitter. Criteria: ACMG Guidelines, 2015. Collection method: clinical testing. Allele origin: germline. Affected: yes.

GeneDx
Classification: Uncertain significance. Last evaluated: 2025-01-25. Review status: criteria provided, single submitter. Criteria: GeneDx Variant Classification Process June 2021. Collection method: clinical testing. Allele origin: germline. Affected: yes.
Comment: Reported in a patient referred for suspicion of Hereditary Breast and Ovarian cancer; however, detailed clinical and family history information was not provided (PMID: 30262796); In silico analysis supports that this missense variant has a deleterious effect on protein structure/function; This variant is associated with the following publications: (PMID: 27577878, 30262796)

Blueprint Genetics
Classification: Likely benign. Last evaluated: 2024-09-17. Review status: criteria provided, single submitter. Criteria: ACMG Guidelines, 2015. Collection method: clinical testing. Allele origin: germline.

CeGaT Center for Human Genetics Tuebingen
Classification: Likely benign. Last evaluated: 2024-07-01. Review status: criteria provided, single submitter. Criteria: CeGaT Center For Human Genetics Tuebingen Variant Classification Criteria Version 2. Collection method: clinical testing. Allele origin: germline. Affected: yes. Observed: 2 variant alleles.
Comment: FANCB: BP4, BS2

Sema4
Classification: Likely benign for Fanconi anemia. Last evaluated: 2021-06-20. Review status: criteria provided, single submitter. Criteria: Sema4 Curation Guidelines. Collection method: curation. Allele origin: germline.

Genetic Services Laboratory, University of Chicago
Classification: Likely benign. Last evaluated: 2021-04-16. Review status: criteria provided, single submitter. Criteria: ACMG Guidelines, 2015. Collection method: clinical testing. Allele origin: germline. Affected: no.

Eurofins Ntd Llc (ga)
Classification: Uncertain significance. Last evaluated: 2014-07-07. Review status: criteria provided, single submitter. Criteria: EGL Classification Definitions 2015. Collection method: clinical testing. Allele origin: germline. Observed: 2 variant alleles, 1 heterozygote, 1 hemizygote.

PreventionGenetics, part of Exact Sciences
Classification: Likely benign for FANCB-related condition. Last evaluated: 2023-10-31. Review status: no assertion criteria provided. Collection method: clinical testing. Allele origin: germline. Not counted in ClinVar's aggregate classification.
Comment: This variant is classified as likely benign based on ACMG/AMP sequence variant interpretation guidelines (Richards et al. 2015 PMID: 25741868, with internal and published modifications).

Clinical Genetics DNA and cytogenetics Diagnostics Lab, Erasmus MC, Erasmus Medical Center
Classification: Likely benign. Review status: no assertion criteria provided. Collection method: clinical testing. Allele origin: germline. Affected: yes. Study: VKGL Data-share Consensus. Not counted in ClinVar's aggregate classification.

Laboratory of Diagnostic Genome Analysis, Leiden University Medical Center (LUMC)
Classification: Likely benign. Review status: no assertion criteria provided. Collection method: clinical testing. Allele origin: germline. Affected: yes. Study: VKGL Data-share Consensus. Not counted in ClinVar's aggregate classification.

NM_001018113.3(FANCB):c.989T>C (p.Ile330Thr)

Gene: FANCB (FA complementation group B; minus strand). Cytogenetic location: Xp22.2.
Variant type: single nucleotide variant.
Coding change: c.989T>C on transcript NM_001018113.3 (MANE Select); coding-DNA position 989, T replaced by C.
Protein change: p.Ile330Thr; replaces isoleucine 330 with threonine.
Molecular consequence: missense variant.
Genome position (GRCh38, 1-based): chrX:14,859,297, A>G on the plus strand (T>C on the coding strand, the complement: FANCB is on the minus strand). VCF-style: chrX-14859297-A-G. GRCh37 (hg19) VCF-style: chrX-14877419-A-G.
Other names: c.989T>C, p.Ile330Thr (NM_001324162.2, NM_152633.4); short protein forms I330T.
Identifiers: ClinVar variation 197175 (VCV000197175.47), dbSNP rs200161949, ClinGen allele CA245168.
Genomic context (GRCh38, chrX:14,859,297, plus strand): 5'-TTCAAGGAGTCCTTAAAAAGTAGGAGTACTTGTTCAGTTCCACTTCCAATAAAGTCATCT[A>G]TCAGTACTAAGCTAAGTTTTTCCCATTTAGCAGCAACCTAAAAGAAAGGGAGCATTATAG-3'
Protein context (NP_001018123.1, residues 320-340): AKWEKLSLVL[Ile330Thr]DDFIGSGTEQ